The following is an entry in ClinVar:

NM_000059.4(BRCA2):c.3531_3532del (p.Asp1177fs)

Gene: BRCA2 (BRCA2 DNA repair associated; plus strand). Cytogenetic location: 13q13.1.
Variant type: Deletion.
Coding change: c.3531_3532del on transcript NM_000059.4 (MANE Select); coding-DNA positions 3531 to 3532, 2 bases deleted (CA; older notation c.3531_3532delCA).
Protein change: p.Asp1177fs; shifts the reading frame from aspartic acid 1177.
Molecular consequence: frameshift variant.
Genome position (GRCh38, 1-based): chr13:32,337,886-32,337,887, CA deleted; deleting any 2 consecutive bases within chr13:32,337,885-32,337,887 gives the same sequence; the c. name uses the placement nearest the transcript's 3' end. VCF-style (leftmost placement, unchanged base first): chr13-32337884-GAC-G. GRCh37 (hg19) VCF-style: chr13-32912021-GAC-G.
Other names: c.3531_3532delCA (NM_000059.3); short protein forms D1177fs.
Identifiers: ClinVar variation 628535 (VCV000628535.5), dbSNP rs1566228743, ClinGen allele CA913188522.

ClinVar aggregate classification (germline): Pathogenic. Review status: criteria provided, multiple submitters, no conflicts (2 of 4 stars). 2 submissions from 2 submitters: Pathogenic (2). Last evaluated 2025-06-13.

Conditions:
Hereditary cancer-predisposing syndrome. Also called: Neoplastic Syndromes, Hereditary; Tumor predisposition; Hereditary neoplastic syndrome; Hereditary Cancer Syndrome. Identifiers: Orphanet 140162, MedGen C0027672, MeSH D009386, MONDO:0015356.

Submissions (2):

Ambry Genetics
Classification: Pathogenic for Hereditary cancer-predisposing syndrome. Last evaluated: 2025-06-13. Review status: criteria provided, single submitter. Criteria: Ambry Variant Classification Scheme 2023. Collection method: clinical testing. Allele origin: germline.
Comment: The c.3531_3532delCA pathogenic mutation, located in coding exon 10 of the BRCA2 gene, results from a deletion of two nucleotides at nucleotide positions 3531 to 3532, causing a translational frameshift with a predicted alternate stop codon (p.D1177Efs*6). This variant is considered to be rare based on population cohorts in the Genome Aggregation Database (gnomAD). This alteration is expected to result in loss of function by premature protein truncation or nonsense-mediated mRNA decay. As such, this alteration is interpreted as a disease-causing mutation.

Color Diagnostics, LLC DBA Color Health
Classification: Pathogenic for Hereditary cancer-predisposing syndrome. Last evaluated: 2020-01-15. Review status: criteria provided, single submitter. Criteria: ACMG Guidelines, 2015. Collection method: clinical testing. Allele origin: germline.
Comment: This variant deletes 2 nucleotides in exon 11 of the BRCA2 gene, creating a frameshift and premature translation stop signal. This variant is expected to result in an absent or non-functional protein product. This variant has not been identified in the general population by the Genome Aggregation Database (gnomAD). Loss of BRCA2 function is a known mechanism of disease. Based on the available evidence, this variant is classified as Pathogenic.